The following is an entry in ClinVar:

NM_005120.3(MED12):c.6309A>G (p.Gln2103=)

Gene: MED12 (mediator complex subunit 12; plus strand). Cytogenetic location: Xq13.1.
Variant type: single nucleotide variant.
Coding change: c.6309A>G on transcript NM_005120.3 (MANE Select); coding-DNA position 6309, A replaced by G.
Protein change: p.Gln2103=; no amino-acid change (glutamine 2103 retained).
Molecular consequence: synonymous variant.
Genome position (GRCh38, 1-based): chrX:71,141,271, A>G. VCF-style: chrX-71141271-A-G. GRCh37 (hg19) VCF-style: chrX-70361121-A-G.
Identifiers: ClinVar variation 2585787 (VCV002585787.6), dbSNP rs1273622444, ClinGen allele CA516728490.
Genomic context (GRCh38, chrX:71,141,271, plus strand): 5'-ATCTTTTGTGTTCTTATAGCAGCAGCAGCAACAGCAACAGCAGCAGCAGCAGCAGCAGCA[A>G]CAGCAACAGCAGCAGCAGCAACAGCAACAACAGCAACACCAGCAGCAACAGCAGCAACAG-3'
Protein context (NP_005111.2, residues 2093-2113): QQQQQQQQQQ[Gln2103=]QQQQQQQQQQ

ClinVar aggregate classification (germline): Likely benign. Review status: criteria provided, multiple submitters, no conflicts (2 of 4 stars). 2 submissions from 2 submitters: Likely benign (2). Last evaluated 2026-02-01.

Conditions:
Familial thoracic aortic aneurysm and aortic dissection (TAAD). Also called: Thoracic aortic aneurysms and dissections. Identifiers: Orphanet 91387, MedGen C4707243, MONDO:0019625.

Allele frequency attached by ClinVar (database versions not stated): gnomAD exomes below 0.00001.
gnomAD v4.1: 2 of 1,158,679 alleles (0.00017%); highest among the groups gnomAD compares: Middle Eastern, 0.024%; no homozygotes.

Submissions (2):

CeGaT Center for Human Genetics Tuebingen
Classification: Likely benign. Last evaluated: 2026-02-01. Review status: criteria provided, single submitter. Criteria: CeGaT Center For Human Genetics Tuebingen Variant Classification Criteria Version 2. Collection method: clinical testing. Allele origin: germline. Affected: yes. Observed: 1 variant allele.
Comment: MED12: BP4, BP7

Ambry Genetics
Classification: Likely benign for Familial thoracic aortic aneurysm and aortic dissection. Last evaluated: 2023-08-02. Review status: criteria provided, single submitter. Criteria: Ambry Variant Classification Scheme 2023. Collection method: clinical testing. Allele origin: germline.